The following is an entry in ClinVar:

NM_019066.5(MAGEL2):c.1236G>T (p.Gly412=)

Gene: MAGEL2 (MAGE family member L2; minus strand). Cytogenetic location: 15q11.2.
Variant type: single nucleotide variant.
Coding change: c.1236G>T on transcript NM_019066.5 (MANE Select); coding-DNA position 1236, G replaced by T.
Protein change: p.Gly412=; no amino-acid change (glycine 412 retained).
Molecular consequence: synonymous variant.
Genome position (GRCh38, 1-based): chr15:23,646,507, C>A on the plus strand (G>T on the coding strand, the complement: MAGEL2 is on the minus strand). VCF-style: chr15-23646507-C-A. GRCh37 (hg19) VCF-style: chr15-23891654-C-A.
Identifiers: ClinVar variation 3673901 (VCV003673901.2).
Genomic context (GRCh38, chr15:23,646,507, plus strand): 5'-CTGTCGCACCGGTGGTGGGCCAGGGCGGATGGGTGGTGGGCCAGGGCGGATGGGCGGGGG[C>A]CCCTGGCGCATGGGCGGCGGCACCTGCCAGGTAACGGCTGGTGCCTGCCAGGTGACCTGC-3'
Protein context (NP_061939.3, residues 402-422): TWQVPPPMRQ[Gly412=]PPPIRPGPPP

ClinVar aggregate classification (germline): Uncertain significance (1 of 4 stars; one submission).

Submission:

Labcorp Genetics (formerly Invitae), Labcorp
Classification: Uncertain significance. Last evaluated: 2024-05-22. Review status: criteria provided, single submitter. Criteria: Invitae Variant Classification Sherloc (09022015). Collection method: clinical testing. Allele origin: germline.
Comment: This sequence change affects codon 412 of the MAGEL2 mRNA. It is a 'silent' change, meaning that it does not change the encoded amino acid sequence of the MAGEL2 protein. The frequency data for this variant in the population databases is considered unreliable, as metrics indicate poor data quality at this position in the gnomAD database. This variant has not been reported in the literature in individuals affected with MAGEL2-related conditions. In summary, the available evidence is currently insufficient to determine the role of this variant in disease. Therefore, it has been classified as a Variant of Uncertain Significance.